The following is an entry in ClinVar:

NM_014112.5(TRPS1):c.2829del (p.Arg944fs)

Gene: TRPS1 (transcriptional repressor GATA binding 1; minus strand). Cytogenetic location: 8q23.3.
Variant type: Deletion.
Coding change: c.2829del on transcript NM_014112.5 (MANE Select); coding-DNA position 2829, one base deleted (C; older notation c.2829delC).
Protein change: p.Arg944fs; shifts the reading frame from arginine 944.
Molecular consequence: frameshift variant.
Genome position (GRCh38, 1-based): chr8:115,415,079, G deleted on the plus strand (C on the coding strand, the reverse complement: TRPS1 is on the minus strand); the first of 3 consecutive G bases (chr8:115,415,079-115,415,081); deleting any one gives the same sequence. VCF-style (leftmost placement, unchanged base first): chr8-115415078-TG-T. GRCh37 (hg19) VCF-style: chr8-116427306-TG-T.
Other names: c.2802del, p.Arg935fs (NM_001282902.3); c.2808del, p.Arg937fs (NM_001282903.3); c.2829delC (NM_014112.4); c.2790del, p.Arg931fs (NM_001330599.2); short protein forms R931fs, R937fs, R935fs, R944fs.
Identifiers: ClinVar variation 1396687 (VCV001396687.7), dbSNP rs2129752164, ClinGen allele CA2573142808.

ClinVar aggregate classification (germline): Pathogenic. Review status: criteria provided, multiple submitters, no conflicts (2 of 4 stars). 2 submissions from 2 submitters: Pathogenic (2). Last evaluated 2026-08-24.

Conditions:
TRPS1-related disorder. Also called: TRPS1-related condition.
Trichorhinophalangeal dysplasia type I (TRPS1). Also called: TRICHORHINOPHALANGEAL SYNDROME, TYPE I; TRPS I. Identifiers: Orphanet 77258, MedGen C0432233, MONDO:0008596, OMIM 190350.
Trichorhinophalangeal syndrome, type III (TRPS3). Also called: SUGIO-KAJII SYNDROME. Identifiers: Orphanet 77258, MedGen C1860823, OMIM 190351, MONDO:0008597.

Submissions (2):

PreventionGenetics, part of Exact Sciences
Classification: Pathogenic for TRPS1-related condition. Last evaluated: 2026-08-24. Review status: criteria provided, single submitter. Criteria: ACMG Guidelines, 2015. Collection method: clinical testing. Allele origin: germline.
Comment: The TRPS1 c.2829delC variant is predicted to result in a frameshift and premature protein termination (p.Arg944Glyfs*3). This variant has been reported in an individual with skeletal condition (Table S5, MacCarrick et al. 2024. PubMed ID: 38702915). This variant has not been reported in a large population database (gnomAD), indicating this variant is rare. Frameshift variants in TRPS1 are expected to be pathogenic. This variant is interpreted as pathogenic.

Labcorp Genetics (formerly Invitae), Labcorp
Classification: Pathogenic for Trichorhinophalangeal syndrome, type III; Trichorhinophalangeal dysplasia type I. Last evaluated: 2022-08-16. Review status: criteria provided, single submitter. Criteria: Invitae Variant Classification Sherloc (09022015). Collection method: clinical testing. Allele origin: germline.
Comment: ClinVar contains an entry for this variant (Variation ID: 1396687). This variant disrupts a region of the TRPS1 protein in which other variant(s) (p.Thr1215Glnfs*27) have been determined to be pathogenic (PMID: 26113321). This suggests that this is a clinically significant region of the protein, and that variants that disrupt it are likely to be disease-causing. For these reasons, this variant has been classified as Pathogenic. This sequence change creates a premature translational stop signal (p.Arg944Glyfs*3) in the TRPS1 gene. While this is not anticipated to result in nonsense mediated decay, it is expected to disrupt the last 351 amino acid(s) of the TRPS1 protein. This variant is not present in population databases (gnomAD no frequency). This premature translational stop signal has been observed in individual(s) with clinical features of tricho-rhino-phalangeal syndrome (PMID: 24945424, 29499646).

Literature cited by the submitters: PubMed 26113321 (cited by Labcorp Genetics (formerly Invitae), Labcorp); PubMed 24945424 (cited by Labcorp Genetics (formerly Invitae), Labcorp); PubMed 29499646 (cited by Labcorp Genetics (formerly Invitae), Labcorp).